The following is an entry in ClinVar:

NM_007294.4(BRCA1):c.4179C>G (p.Thr1393=)

Gene: BRCA1 (BRCA1 DNA repair associated; minus strand). Cytogenetic location: 17q21.31.
Variant type: single nucleotide variant.
Coding change: c.4179C>G on transcript NM_007294.4 (MANE Select); coding-DNA position 4179, C replaced by G.
Protein change: p.Thr1393=; no amino-acid change (threonine 1393 retained).
Molecular consequence: synonymous variant.
Genome position (GRCh38, 1-based): chr17:43,090,950, G>C on the plus strand (C>G on the coding strand, the complement: BRCA1 is on the minus strand). VCF-style: chr17-43090950-G-C. GRCh37 (hg19) VCF-style: chr17-41242967-G-C.
Other names: c.4035C>G, p.Thr1345= (NM_001407844.1, NM_001407845.1, NM_001407846.1 and 20 more transcripts); c.4038C>G, p.Thr1346= (NM_001407850.1, NM_001407851.1, NM_001407852.1 and 29 more transcripts); c.3966C>G, p.Thr1322= (NM_001407853.1, NM_001407894.1, NM_001407895.1 and 9 more transcripts); c.4179C>G, p.Thr1393= (NM_001407854.1, NM_001407858.1, NM_001407859.1 and 30 more transcripts); c.4176C>G, p.Thr1392= (NM_001407860.1, NM_001407861.1, NM_001407587.1 and 22 more transcripts); c.3978C>G, p.Thr1326= (NM_001407862.1); c.4056C>G, p.Thr1352= (NM_001407863.1, NM_001407919.1, NM_001407937.1 and 19 more transcripts); c.3975C>G, p.Thr1325= (NM_001407874.1, NM_001407875.1); and 41 more.
Identifiers: ClinVar variation 427298 (VCV000427298.19), dbSNP rs753735698, ClinGen allele CA059532.

ClinVar aggregate classification (germline): Likely benign. Review status: reviewed by expert panel (3 of 4 stars). 4 submissions from 4 submitters: Likely benign (1). 3 of the submissions do not count toward it. Last evaluated 2017-06-29.

Conditions:
Hereditary breast ovarian cancer syndrome. Also called: Hereditary breast and ovarian cancer syndrome (HBOC); BRCA1- and BRCA2-Associated Hereditary Breast and Ovarian Cancer; Hereditary breast and/or ovarian cancer syndrome; Hereditary breast and ovarian cancer syndrome; Hereditary breast and ovarian cancer; Breast and ovarian cancer. Identifiers: Orphanet 145, MedGen C0677776, MeSH D061325, MONDO:0003582. Disease mechanism: loss of function.
Hereditary cancer-predisposing syndrome. Also called: Neoplastic Syndromes, Hereditary; Hereditary neoplastic syndrome; Tumor predisposition; Hereditary Cancer Syndrome. Identifiers: Orphanet 140162, MedGen C0027672, MeSH D009386, MONDO:0015356.
Breast-ovarian cancer, familial, susceptibility to, 1 (BROVCA1). Also called: BRCA1 Hereditary Breast and Ovarian Cancer; OVARIAN CANCER, SUSCEPTIBILITY TO. Identifiers: Orphanet 145, MedGen C2676676, MONDO:0011450, OMIM 604370. Disease mechanism: loss of function.

Allele frequency attached by ClinVar (database versions not stated): ExAC 0.00002.
gnomAD v4.1: 2 of 1,609,654 alleles (0.00012%); highest among the groups gnomAD compares: East Asian, 0.0045%; no homozygotes.

Submissions (4):

Evidence-based Network for the Interpretation of Germline Mutant Alleles (ENIGMA)
Classification: Likely benign for Breast-ovarian cancer, familial, susceptibility to, 1. Last evaluated: 2017-06-29. Review status: reviewed by expert panel. Criteria: ENIGMA BRCA1/2 Classification Criteria (2017-06-29). Collection method: curation. Allele origin: germline.
Comment: Synonymous substitution variant, with low bioinformatic likelihood to result in a splicing aberration (Splicing prior probability 0.04).

Labcorp Genetics (formerly Invitae), Labcorp
Classification: Likely benign for Hereditary breast ovarian cancer syndrome. Last evaluated: 2025-08-03. Review status: criteria provided, single submitter. Criteria: Invitae Variant Classification Sherloc (09022015). Collection method: clinical testing. Allele origin: germline. Not counted in ClinVar's aggregate classification.

Ambry Genetics
Classification: Likely benign for Hereditary cancer-predisposing syndrome. Last evaluated: 2018-05-17. Review status: criteria provided, single submitter. Criteria: Ambry Variant Classification Scheme 2023. Collection method: clinical testing. Allele origin: germline. Not counted in ClinVar's aggregate classification.

Color Diagnostics, LLC DBA Color Health
Classification: Likely benign for Hereditary cancer-predisposing syndrome. Last evaluated: 2017-02-06. Review status: criteria provided, single submitter. Criteria: ACMG Guidelines, 2015. Collection method: clinical testing. Allele origin: germline. Not counted in ClinVar's aggregate classification.